The following is an entry in ClinVar:

ClinVar aggregate classification (germline): Likely pathogenic (1 of 4 stars; one submission).

Allele frequency attached by ClinVar (database versions not stated): ExAC 0.00001.
gnomAD v4.1: 3 of 1,614,080 alleles (0.00019%); highest among the groups gnomAD compares: South Asian, 0.0011%; no homozygotes.

Submission:

Labcorp Genetics (formerly Invitae), Labcorp
Classification: Likely pathogenic. Last evaluated: 2023-03-12. Review status: criteria provided, single submitter. Criteria: Invitae Variant Classification Sherloc (09022015). Collection method: clinical testing. Allele origin: germline.
Comment: In summary, the currently available evidence indicates that the variant is pathogenic, but additional data are needed to prove that conclusively. Therefore, this variant has been classified as Likely Pathogenic. Algorithms developed to predict the effect of sequence changes on RNA splicing suggest that this variant may disrupt the consensus splice site. This variant has not been reported in the literature in individuals affected with LRP2-related conditions. This variant is present in population databases (rs750476171, gnomAD 0.007%). This sequence change affects a donor splice site in intron 3 of the LRP2 gene. It is expected to disrupt RNA splicing. Variants that disrupt the donor or acceptor splice site typically lead to a loss of protein function (PMID: 16199547), and loss-of-function variants in LRP2 are known to be pathogenic (PMID: 17632512, 25682901).

Literature cited by the submitters: PubMed 16199547; PubMed 17632512; PubMed 25682901.

NM_004525.3(LRP2):c.310+1G>C

Gene: LRP2 (LDL receptor related protein 2; minus strand). Cytogenetic location: 2q31.1.
Variant type: single nucleotide variant.
Coding change: c.310+1G>C on transcript NM_004525.3 (MANE Select); the canonical splice donor site of the intron after coding-DNA position 310, G replaced by C.
Molecular consequence: splice donor variant.
Genome position (GRCh38, 1-based): chr2:169,318,761, C>G on the plus strand (G>C on the coding strand, the complement: LRP2 is on the minus strand). VCF-style: chr2-169318761-C-G. GRCh37 (hg19) VCF-style: chr2-170175271-C-G.
Identifiers: ClinVar variation 2845033 (VCV002845033.3), dbSNP rs750476171, ClinGen allele CA1955938.